The following is an entry in ClinVar:

ClinVar aggregate classification (germline): Uncertain significance. Review status: criteria provided, multiple submitters, no conflicts (2 of 4 stars). 2 submissions from 2 submitters: Uncertain significance (2). Last evaluated 2026-06-16.

Conditions:
Obesity, hyperphagia, and developmental delay (OBHD). Identifiers: Orphanet 99704, MedGen C3151303, MONDO:0013483, OMIM 613886.
NTRK2-related disorder. Also called: NTRK2-related condition.

Allele frequency attached by ClinVar (database versions not stated): gnomAD exomes 0.00001 and 0.00002; TOPMed 0.00001.
gnomAD v4.1: 26 of 1,613,688 alleles (0.0016%); highest among the groups gnomAD compares: Non-Finnish European, 0.0021%; no homozygotes.

Submissions (2):

PreventionGenetics, part of Exact Sciences
Classification: Uncertain significance for NTRK2-related condition. Last evaluated: 2026-06-16. Review status: criteria provided, single submitter. Criteria: ACMG Guidelines, 2015. Collection method: clinical testing. Allele origin: germline.
Comment: The NTRK2 c.2012A>G variant is predicted to result in the amino acid substitution p.His671Arg. To our knowledge, this variant has not been reported in the literature. This variant is reported in 0.0018% of alleles in individuals of European (Non-Finnish) descent in gnomAD. At this time, the clinical significance of this variant is uncertain due to the absence of conclusive functional and genetic evidence.

Institute of Human Genetics, University of Leipzig Medical Center
Classification: Uncertain significance for Obesity, hyperphagia, and developmental delay. Last evaluated: 2019-01-01. Review status: criteria provided, single submitter. Criteria: ACMG Guidelines, 2015. Collection method: clinical testing. Allele origin: unknown. Affected: yes.

NM_006180.6(NTRK2):c.2012A>G (p.His671Arg)

Gene: NTRK2 (neurotrophic receptor tyrosine kinase 2; plus strand). Cytogenetic location: 9q21.33.
Variant type: single nucleotide variant.
Coding change: c.2012A>G on transcript NM_006180.6 (MANE Select); coding-DNA position 2012, A replaced by G.
Protein change: p.His671Arg; replaces histidine 671 with arginine.
Molecular consequence: missense variant.
Genome position (GRCh38, 1-based): chr9:84,955,357, A>G. VCF-style: chr9-84955357-A-G. GRCh37 (hg19) VCF-style: chr9-87570272-A-G.
Other names: c.1964A>G, p.His655Arg (NM_001018064.3, NM_001369532.1, NM_001369533.1); c.1928A>G, p.His643Arg (NM_001369534.1); c.1496A>G, p.His499Arg (NM_001369535.1); c.1544A>G, p.His515Arg (NM_001369536.1); short protein forms H499R, H515R, H643R, H655R, H671R.
Identifiers: ClinVar variation 982875 (VCV000982875.2), dbSNP rs201044261, ClinGen allele CA195815113.